The following is an entry in ClinVar:

NM_003898.4(SYNJ2):c.1717+3G>A

Gene: SYNJ2 (synaptojanin 2; plus strand). Cytogenetic location: 6q25.3.
Variant type: single nucleotide variant.
Coding change: c.1717+3G>A on transcript NM_003898.4 (MANE Select); 3 bases into the intron after coding-DNA position 1717, G replaced by A.
Molecular consequence: intron variant.
Genome position (GRCh38, 1-based): chr6:158,066,638, G>A. VCF-style: chr6-158066638-G-A. GRCh37 (hg19) VCF-style: chr6-158487670-G-A.
Other names: c.1717+3G>A (NM_001410947.1); c.1006+3G>A (NM_001178088.2).
Identifiers: ClinVar variation 2657077 (VCV002657077.24), dbSNP rs760105348, ClinGen allele CA4069974.

ClinVar aggregate classification (germline): Likely benign (1 of 4 stars; one submission).

Allele frequency attached by ClinVar (database versions not stated): TOPMed 0.00004; ExAC 0.00005; gnomAD exomes 0.00005; gnomAD 0.00007.
gnomAD v4.1: 80 of 1,612,852 alleles (0.005%); highest among the groups gnomAD compares: Non-Finnish European, 0.0066%; no homozygotes.

Submission:

CeGaT Center for Human Genetics Tuebingen
Classification: Likely benign. Last evaluated: 2022-04-01. Review status: criteria provided, single submitter. Criteria: CeGaT Center For Human Genetics Tuebingen Variant Classification Criteria Version 2. Collection method: clinical testing. Allele origin: germline. Affected: yes. Observed: 1 variant allele.
Comment: SYNJ2: BP4